The following is an entry in ClinVar:

NC_000016.9:g.(?_89238155)_(89251742_89253836)dup

Gene: CDH15 (cadherin 15; plus strand). Cytogenetic location: 16q24.3.
Variant type: Duplication.
Identifiers: ClinVar variation 3385133 (VCV003385133.1).

ClinVar aggregate classification (germline): Uncertain significance (1 of 4 stars; one submission).

Submission:

Women's Health and Genetics/Laboratory Corporation of America, LabCorp
Classification: Uncertain significance. Last evaluated: 2024-10-22. Review status: criteria provided, single submitter. Criteria: LabCorp Variant Classification Summary - May 2015. Collection method: clinical testing. Allele origin: germline.
Comment: Variant summary: The variant involves the duplication of exons 1-5 in the CDH15 gene. A presumed nomenclature of c.(?_-85)_(663+1_664-1)dup has been designated for the purposes of this classification. The exact breakpoint at the 5' end of this variant is unknown, therefore this duplication may extend upstream of the annotated region of this gene. It is predicted to duplicate a segment including the initiation codon, therefore its impact on the encoded protein is unknown. It is assumed to be a tandem duplication in direct orientation (PMIDs: 25640679, 30054569). The variant was absent in 21692 control chromosomes. The available data on variant occurrences in the general population are insufficient to allow any conclusion about variant significance. To our knowledge, no occurrence of c.(?_-85)_(663+1_664-1)dup in individuals affected with Intellectual Disability, Autosomal Dominant 3 and no experimental evidence demonstrating its impact on protein function have been reported. No submitters have cited clinical-significance assessments for this variant to ClinVar. Based on the evidence outlined above, the variant was classified as uncertain significance.